The following is an entry in ClinVar:

ClinVar aggregate classification (germline): Benign (0 of 4 stars; one submission).

Conditions:
RECQL5-related disorder. Also called: RECQL5-related condition.

Submissions (2):

PreventionGenetics, part of Exact Sciences
Classification: Benign for RECQL5-related condition. Last evaluated: 2019-11-20. Review status: no assertion criteria provided. Collection method: clinical testing. Allele origin: germline.
Comment: This variant is classified as benign based on ACMG/AMP sequence variant interpretation guidelines (Richards et al. 2015 PMID: 25741868, with internal and published modifications).

Dr. Peter K. Rogan Lab, Western University
No classification provided (evidence only). Condition: Uterine corpus endometrial carcinoma. Review status: no classification provided. Collection method: in vitro. Allele origin: not applicable. Functional consequence: retained intron. Not counted in ClinVar's aggregate classification.

NM_004259.7(RECQL5):c.1586-6_1586-5del

Gene: RECQL5 (RecQ like helicase 5; minus strand). Cytogenetic location: 17q25.1.
Variant type: Deletion.
Coding change: c.1586-6_1586-5del on transcript NM_004259.7 (MANE Select); 6 bases into the intron before coding-DNA position 1586 through 5 bases into the intron before coding-DNA position 1586, 2 bases deleted (CC; older notation c.1586-6_1586-5delCC).
Molecular consequence: intron variant.
Genome position (GRCh38, 1-based): chr17:75,630,842-75,630,843, GG deleted on the plus strand (CC on the coding strand, the reverse complement: RECQL5 is on the minus strand); deleting any 2 consecutive bases within chr17:75,630,842-75,630,853 gives the same sequence; the c. name uses the placement nearest the transcript's 3' end. VCF-style (leftmost placement, unchanged base first): chr17-75630841-TGG-T. GRCh37 (hg19) VCF-style: chr17-73626921-TGG-T.
Other names: NC_000017.10:g.73626932_73626933del; c.1586-16_1586-15del (NM_004259.7).
Identifiers: ClinVar variation 3043293 (VCV003043293.3), dbSNP rs55982817, ClinGen allele CA8767369.